The following is an entry in ClinVar:

NM_000382.3(ALDH3A2):c.1267C>T (p.Arg423Cys)

Gene: ALDH3A2 (aldehyde dehydrogenase 3 family member A2; plus strand). Cytogenetic location: 17p11.2.
Variant type: single nucleotide variant.
Coding change: c.1267C>T on transcript NM_000382.3 (MANE Select); coding-DNA position 1267, C replaced by T.
Protein change: p.Arg423Cys; replaces arginine 423 with cysteine.
Molecular consequence: missense variant. On other transcripts: intron variant (1).
Genome position (GRCh38, 1-based): chr17:19,671,780, C>T. VCF-style: chr17-19671780-C-T. GRCh37 (hg19) VCF-style: chr17-19575093-C-T.
Other names: c.1267C>T, p.Arg423Cys (NM_001031806.2, NM_001369136.1, NM_001369137.2 and 2 more transcripts); c.688C>T, p.Arg230Cys (NM_001369148.2); c.1208-3778C>T (NM_001369146.2); short protein forms R423C, R230C.
Identifiers: ClinVar variation 500063 (VCV000500063.11), dbSNP rs370654268, ClinGen allele CA8443056.

ClinVar aggregate classification (germline): Conflicting classifications of pathogenicity. Review status: criteria provided, conflicting classifications (1 of 4 stars). 2 submissions from 2 submitters: Likely pathogenic (1); Uncertain significance (1). Last evaluated 2023-08-04.

Allele frequency attached by ClinVar (database versions not stated): gnomAD exomes 0.00001 and 0.00002; ExAC 0.00002; TOPMed 0.00002; gnomAD 0.00003; ESP Exome Variant Server 0.00008.
gnomAD v4.1: 17 of 1,614,000 alleles (0.0011%); highest among the groups gnomAD compares: East Asian, 0.0067%; no homozygotes.

Submissions (2):

Labcorp Genetics (formerly Invitae), Labcorp
Classification: Likely pathogenic. Last evaluated: 2023-08-04. Review status: criteria provided, single submitter. Criteria: Invitae Variant Classification Sherloc (09022015). Collection method: clinical testing. Allele origin: germline.
Comment: This variant has not been reported in the literature in individuals affected with ALDH3A2-related conditions. In summary, the currently available evidence indicates that the variant is pathogenic, but additional data are needed to prove that conclusively. Therefore, this variant has been classified as Likely Pathogenic. This variant disrupts the p.Arg423 amino acid residue in ALDH3A2. Other variant(s) that disrupt this residue have been determined to be pathogenic (PMID: 10577908, 15241804). This suggests that this residue is clinically significant, and that variants that disrupt this residue are likely to be disease-causing. Advanced modeling of protein sequence and biophysical properties (such as structural, functional, and spatial information, amino acid conservation, physicochemical variation, residue mobility, and thermodynamic stability) performed at Invitae indicates that this missense variant is expected to disrupt ALDH3A2 protein function. ClinVar contains an entry for this variant (Variation ID: 500063). This variant is present in population databases (rs370654268, gnomAD 0.006%). This sequence change replaces arginine, which is basic and polar, with cysteine, which is neutral and slightly polar, at codon 423 of the ALDH3A2 protein (p.Arg423Cys).

Eurofins Ntd Llc (ga)
Classification: Uncertain significance. Last evaluated: 2017-02-06. Review status: criteria provided, single submitter. Criteria: EGL Classification Definitions 2015. Collection method: clinical testing. Allele origin: germline. Observed: 1 variant allele, 1 heterozygote.

Literature cited by the submitters: PubMed 10577908 (cited by Labcorp Genetics (formerly Invitae), Labcorp); PubMed 15241804 (cited by Labcorp Genetics (formerly Invitae), Labcorp).